The following is an entry in ClinVar:

ClinVar aggregate classification (germline): Likely benign (1 of 4 stars; one submission).

Conditions:
Senior-Loken syndrome 5 (SLSN5). Identifiers: Orphanet 3156, MedGen C1836517, MONDO:0012225, OMIM 609254.

Allele frequency attached by ClinVar (database versions not stated): TOPMed 0.00449; 1000 Genomes Project 0.00499; 1000 Genomes Project 30x 0.00531; gnomAD 0.00949.
gnomAD v4.1: 2,072 of 572,672 alleles (0.36%); highest among the groups gnomAD compares: African/African-American, 1.4%; 20 homozygotes.

Submission:

Illumina Laboratory Services, Illumina
Classification: Likely benign for Senior-Loken syndrome 5. Last evaluated: 2018-01-12. Review status: criteria provided, single submitter. Criteria: ICSL Variant Classification Criteria 13 December 2019. Collection method: clinical testing. Allele origin: germline.
Comment: This variant was observed in the ICSL laboratory as part of a predisposition screen in an ostensibly healthy population. It had not been previously curated by ICSL or reported in the Human Gene Mutation Database (HGMD: prior to June 1st, 2018), and was therefore a candidate for classification through an automated scoring system. Utilizing variant allele frequency, disease prevalence and penetrance estimates, and inheritance mode, an automated score was calculated to assess if this variant is too frequent to cause the disease. Based on the score and internal cut-off values, a variant classified as likely benign is not then subjected to further curation. The score for this variant resulted in a classification of likely benign for this disease.

NM_001023570.4(IQCB1):c.-178C>T

Gene: IQCB1 (IQ motif containing B1; minus strand). Cytogenetic location: 3q13.33.
Variant type: single nucleotide variant.
Coding change: c.-178C>T on transcript NM_001023570.4 (MANE Select); 178 bases upstream of the start codon, C replaced by T.
Molecular consequence: 5 prime UTR variant. On other transcripts: non-coding transcript variant (1).
Genome position (GRCh38, 1-based): chr3:121,835,042, G>A on the plus strand (C>T on the coding strand, the complement: IQCB1 is on the minus strand). VCF-style: chr3-121835042-G-A. GRCh37 (hg19) VCF-style: chr3-121553889-G-A.
Other names: c.-178C>T (NM_001023571.4); c.-177C>T (NM_001319107.2).
Identifiers: ClinVar variation 342787 (VCV000342787.5), dbSNP rs191557781, ClinGen allele CA10616904.